The following is an entry in ClinVar:

ClinVar aggregate classification (germline): Pathogenic (1 of 4 stars; one submission).

Submission:

GeneDx
Classification: Pathogenic. Last evaluated: 2023-06-28. Review status: criteria provided, single submitter. Criteria: GeneDx Variant Classification Process June 2021. Collection method: clinical testing. Allele origin: germline. Affected: yes.
Comment: Initiation codon variant in a gene for which loss of function is a known mechanism of disease; Not observed at significant frequency in large population cohorts (gnomAD); Has not been previously published as pathogenic or benign to our knowledge

NM_001134673.4(NFIA):c.3G>A (p.Met1Ile)

Gene: NFIA (nuclear factor I A; plus strand). Cytogenetic location: 1p31.3.
Variant type: single nucleotide variant.
Coding change: c.3G>A on transcript NM_001134673.4 (MANE Select); coding-DNA position 3, G replaced by A.
Protein change: p.Met1Ile; changes the start codon (methionine 1).
Molecular consequence: missense variant, initiator codon variant. On other transcripts: intron variant (1).
Genome position (GRCh38, 1-based): chr1:61,082,794, G>A. VCF-style: chr1-61082794-G-A. GRCh37 (hg19) VCF-style: chr1-61548466-G-A.
Other names: c.138G>A, p.Met46Ile (NM_001145512.2); c.3G>A, p.Met1Ile (NM_005595.5); c.3+5166G>A (NM_001145511.2); short protein forms M1I, M46I.
Identifiers: ClinVar variation 2571793 (VCV002571793.2), dbSNP rs2524179657, ClinGen allele CA340586042.
Genomic context (GRCh38, chr1:61,082,794, plus strand): 5'-ACGCACACCTCCAAACCGCACACCCAGACGCACACGCATACCCCAGCGCCCGGCAGTTAT[G>A]TATTCTCCGCTCTGTCTCACCCAGGTAAGCCGCGGCGTGGATGCGGAGGGCTTGGGGGCC-3'
Protein context (NP_001128145.1, residues 1-11): [Met1Ile]YSPLCLTQDE